The following is an entry in ClinVar:

ClinVar aggregate classification (germline): Uncertain significance (1 of 4 stars; one submission).

Submission:

Labcorp Genetics (formerly Invitae), Labcorp
Classification: Uncertain significance. Last evaluated: 2025-03-03. Review status: criteria provided, single submitter. Criteria: Invitae Variant Classification Sherloc (09022015). Collection method: clinical testing. Allele origin: germline.
Comment: This sequence change replaces arginine, which is basic and polar, with glutamine, which is neutral and polar, at codon 115 of the SDHAF1 protein (p.Arg115Gln). This variant is not present in population databases (gnomAD no frequency). This variant has not been reported in the literature in individuals affected with SDHAF1-related conditions. An algorithm developed to predict the effect of missense changes on protein structure and function outputs the following: PolyPhen-2: "Probably Damaging". The glutamine amino acid residue is found in multiple mammalian species, which suggests that this missense change does not adversely affect protein function. In summary, the available evidence is currently insufficient to determine the role of this variant in disease. Therefore, it has been classified as a Variant of Uncertain Significance.

NM_001042631.3(SDHAF1):c.344G>A (p.Arg115Gln)

Genes: SDHAF1 (succinate dehydrogenase complex assembly factor 1; plus strand), LOC130064281 (ATAC-STARR-seq lymphoblastoid silent region 10546; plus strand). Cytogenetic location: 19q13.12.
Variant type: single nucleotide variant.
Coding change: c.344G>A on transcript NM_001042631.3 (MANE Select); coding-DNA position 344, G replaced by A.
Protein change: p.Arg115Gln; replaces arginine 115 with glutamine.
Molecular consequence: missense variant.
Genome position (GRCh38, 1-based): chr19:35,995,618, G>A. VCF-style: chr19-35995618-G-A. GRCh37 (hg19) VCF-style: chr19-36486520-G-A.
Other names: short protein forms R115Q.
Identifiers: ClinVar variation 3608589 (VCV003608589.2).